The following is an entry in ClinVar:

NM_000489.6(ATRX):c.2607G>C (p.Lys869Asn)

Gene: ATRX (ATRX chromatin remodeler; minus strand). Cytogenetic location: Xq21.1.
Variant type: single nucleotide variant.
Coding change: c.2607G>C on transcript NM_000489.6 (MANE Select); coding-DNA position 2607, G replaced by C.
Protein change: p.Lys869Asn; replaces lysine 869 with asparagine.
Molecular consequence: missense variant.
Genome position (GRCh38, 1-based): chrX:77,682,649, C>G on the plus strand (G>C on the coding strand, the complement: ATRX is on the minus strand). VCF-style: chrX-77682649-C-G. GRCh37 (hg19) VCF-style: chrX-76938141-C-G.
Other names: c.2493G>C, p.Lys831Asn (NM_138270.5); short protein forms K831N, K869N.
Identifiers: ClinVar variation 4795527 (VCV004795527.1).

ClinVar aggregate classification (germline): Uncertain significance (1 of 4 stars; one submission).

Submission:

GeneDx
Classification: Uncertain significance. Last evaluated: 2025-08-05. Review status: criteria provided, single submitter. Criteria: GeneDx Variant Classification Process June 2021. Collection method: clinical testing. Allele origin: germline. Affected: yes.
Comment: Not observed at significant frequency in large population cohorts (gnomAD); In silico analysis suggests that this missense variant does not alter protein structure/function; Has not been previously published as pathogenic or benign to our knowledge